The following is an entry in ClinVar:

NM_012318.3(LETM1):c.1462C>T (p.Arg488Cys)

Gene: LETM1 (leucine zipper and EF-hand containing transmembrane protein 1; minus strand). Cytogenetic location: 4p16.3.
Variant type: single nucleotide variant.
Coding change: c.1462C>T on transcript NM_012318.3 (MANE Select); coding-DNA position 1462, C replaced by T.
Protein change: p.Arg488Cys; replaces arginine 488 with cysteine.
Molecular consequence: missense variant.
Genome position (GRCh38, 1-based): chr4:1,823,002, G>A on the plus strand (C>T on the coding strand, the complement: LETM1 is on the minus strand). VCF-style: chr4-1823002-G-A. GRCh37 (hg19) VCF-style: chr4-1824729-G-A.
Other names: c.1462C>T (NM_012318.2); short protein forms R488C.
Identifiers: ClinVar variation 1404320 (VCV001404320.7), dbSNP rs141023040, ClinGen allele CA2811277.

ClinVar aggregate classification (germline): Uncertain significance. Review status: criteria provided, multiple submitters, no conflicts (2 of 4 stars). 2 submissions from 2 submitters: Uncertain significance (2). Last evaluated 2025-03-27.

Conditions:
Inborn genetic diseases. Identifiers: MedGen C0950123, MeSH D030342.

Allele frequency attached by ClinVar (database versions not stated): gnomAD exomes 0.00001 and 0.00003; ExAC 0.00002; TOPMed 0.00003; gnomAD 0.00005; ESP Exome Variant Server 0.00008.

Submissions (2):

Ambry Genetics
Classification: Uncertain significance for Inborn genetic diseases. Last evaluated: 2025-03-27. Review status: criteria provided, single submitter. Criteria: Ambry Variant Classification Scheme 2023. Collection method: clinical testing. Allele origin: germline.

Labcorp Genetics (formerly Invitae), Labcorp
Classification: Uncertain significance. Last evaluated: 2024-04-25. Review status: criteria provided, single submitter. Criteria: Invitae Variant Classification Sherloc (09022015). Collection method: clinical testing. Allele origin: germline.
Comment: This sequence change replaces arginine, which is basic and polar, with cysteine, which is neutral and slightly polar, at codon 488 of the LETM1 protein (p.Arg488Cys). This variant is present in population databases (rs141023040, gnomAD 0.01%). This variant has not been reported in the literature in individuals affected with LETM1-related conditions. ClinVar contains an entry for this variant (Variation ID: 1404320). An algorithm developed to predict the effect of missense changes on protein structure and function (PolyPhen-2) suggests that this variant is likely to be tolerated. In summary, the available evidence is currently insufficient to determine the role of this variant in disease. Therefore, it has been classified as a Variant of Uncertain Significance.